The following is an entry in ClinVar:

ClinVar aggregate classification (germline): Likely benign (1 of 4 stars; one submission).

Allele frequency attached by ClinVar (database versions not stated): 1000 Genomes Project 30x 0.00062; ExAC 0.00203.

Submission:

CeGaT Center for Human Genetics Tuebingen
Classification: Likely benign. Last evaluated: 2023-04-01. Review status: criteria provided, single submitter. Criteria: CeGaT Center For Human Genetics Tuebingen Variant Classification Criteria Version 2. Collection method: clinical testing. Allele origin: germline. Affected: yes. Observed: 1 variant allele.
Comment: KRT6C: BS1

NM_173086.5(KRT6C):c.251G>A (p.Gly84Asp)

Gene: KRT6C (keratin 6C; minus strand). Cytogenetic location: 12q13.13.
Variant type: single nucleotide variant.
Coding change: c.251G>A on transcript NM_173086.5 (MANE Select); coding-DNA position 251, G replaced by A.
Protein change: p.Gly84Asp; replaces glycine 84 with aspartic acid.
Molecular consequence: missense variant.
Genome position (GRCh38, 1-based): chr12:52,473,487, C>T on the plus strand (G>A on the coding strand, the complement: KRT6C is on the minus strand). VCF-style: chr12-52473487-C-T. GRCh37 (hg19) VCF-style: chr12-52867271-C-T.
Other names: short protein forms G84D.
Identifiers: ClinVar variation 2643025 (VCV002643025.24), dbSNP rs762167438, ClinGen allele CA6581614.